The following is an entry in ClinVar:

NM_000074.3(CD40LG):c.98T>A (p.Ile33Asn)

Gene: CD40LG (CD40 ligand; plus strand). Cytogenetic location: Xq26.3.
Variant type: single nucleotide variant.
Coding change: c.98T>A on transcript NM_000074.3 (MANE Select); coding-DNA position 98, T replaced by A.
Protein change: p.Ile33Asn; replaces isoleucine 33 with asparagine.
Molecular consequence: missense variant.
Genome position (GRCh38, 1-based): chrX:136,648,346, T>A. VCF-style: chrX-136648346-T-A. GRCh37 (hg19) VCF-style: chrX-135730505-T-A.
Other names: short protein forms I33N.
Identifiers: ClinVar variation 827696 (VCV000827696.2), dbSNP rs1283517835, ClinGen allele CA414751867.

ClinVar aggregate classification (germline): Uncertain significance. Review status: criteria provided, multiple submitters, no conflicts (2 of 4 stars). 2 submissions from 2 submitters: Uncertain significance (2). Last evaluated 2025-07-13.

Conditions:
Common variable immunodeficiency (CVID). Also called: Common variable hypogamma-globulinemia; Common variable agammaglobulinemia. Identifiers: Orphanet 1572, MedGen C0009447, MONDO:0015517.
Hyper-IgM syndrome type 1. Also called: Hyper-IgM Immunodeficiency Syndrome, Type 1; Immunodeficiency, X-linked, with hyper-IgM; CD40 Ligand Deficiency; X-linked hyper-IgM syndrome. Identifiers: Orphanet 101088, MedGen C0398689, MONDO:0010626, OMIM 308230.

Submissions (2):

Labcorp Genetics (formerly Invitae), Labcorp
Classification: Uncertain significance for Hyper-IgM syndrome type 1. Last evaluated: 2025-07-13. Review status: criteria provided, single submitter. Criteria: Invitae Variant Classification Sherloc (09022015). Collection method: clinical testing. Allele origin: germline.
Comment: This sequence change replaces isoleucine, which is neutral and non-polar, with asparagine, which is neutral and polar, at codon 33 of the CD40LG protein (p.Ile33Asn). This variant is not present in population databases (gnomAD no frequency). This missense change has been observed in individual(s) with clinical features of CD40LG-related disorders (PMID: 32499645). ClinVar contains an entry for this variant (Variation ID: 827696). Invitae Evidence Modeling of protein sequence and biophysical properties (such as structural, functional, and spatial information, amino acid conservation, physicochemical variation, residue mobility, and thermodynamic stability) indicates that this missense variant is not expected to disrupt CD40LG protein function with a negative predictive value of 80%. In summary, the available evidence is currently insufficient to determine the role of this variant in disease. Therefore, it has been classified as a Variant of Uncertain Significance.

NIHR Bioresource Rare Diseases, University of Cambridge
Classification: Uncertain significance for Common variable immunodeficiency. Last evaluated: 2019-01-01. Review status: criteria provided, single submitter. Criteria: ACMG Guidelines, 2015. Collection method: research. Allele origin: germline. Affected: yes. Observed: 2 hemizygotes.

Literature cited by the submitters: PubMed 32499645 (cited by Labcorp Genetics (formerly Invitae), Labcorp).